The following is an entry in ClinVar:

ClinVar aggregate classification (germline): Likely benign (1 of 4 stars; one submission).

gnomAD v4.1: 22 of 1,613,320 alleles (0.0014%); highest among the groups gnomAD compares: Non-Finnish European, 0.0018%; no homozygotes.

Submission:

CeGaT Center for Human Genetics Tuebingen
Classification: Likely benign. Last evaluated: 2024-09-01. Review status: criteria provided, single submitter. Criteria: CeGaT Center For Human Genetics Tuebingen Variant Classification Criteria Version 2. Collection method: clinical testing. Allele origin: germline. Affected: yes. Observed: 1 variant allele.
Comment: ATAD3A: BP4, BP7

NM_001170535.3(ATAD3A):c.1647G>C (p.Leu549=)

Gene: ATAD3A (ATPase family AAA domain containing 3A; plus strand). Cytogenetic location: 1p36.33.
Variant type: single nucleotide variant.
Coding change: c.1647G>C on transcript NM_001170535.3 (MANE Select); coding-DNA position 1647, G replaced by C.
Protein change: p.Leu549=; no amino-acid change (leucine 549 retained).
Molecular consequence: synonymous variant.
Genome position (GRCh38, 1-based): chr1:1,533,958, G>C. VCF-style: chr1-1533958-G-C. GRCh37 (hg19) VCF-style: chr1-1469338-G-C.
Other names: c.1410G>C, p.Leu470= (NM_001170536.3); c.1791G>C, p.Leu597= (NM_018188.5).
Identifiers: ClinVar variation 3389061 (VCV003389061.14).